The following is an entry in ClinVar:

NM_000255.4(MMUT):c.-37C>A

Gene: MMUT (methylmalonyl-CoA mutase; minus strand). Cytogenetic location: 6p12.3.
Variant type: single nucleotide variant.
Coding change: c.-37C>A on transcript NM_000255.4 (MANE Select); 37 bases upstream of the start codon, C replaced by A.
Molecular consequence: 5 prime UTR variant.
Genome position (GRCh38, 1-based): chr6:49,459,503, G>T on the plus strand (C>A on the coding strand, the complement: MMUT is on the minus strand). VCF-style: chr6-49459503-G-T. GRCh37 (hg19) VCF-style: chr6-49427216-G-T.
Other names: KC594083.1; KC594089.1.
Identifiers: ClinVar variation 100696 (VCV000100696.1), dbSNP rs483352794, ClinGen allele CA235509.
Genomic context (GRCh38, chr6:49,459,503, plus strand): 5'-AAGCTGATTCTTAGCTCTTAACATGGTGGAGCATGGAAACACCCAATAGAAATAAGAACT[G>T]ACCTAGAAAAAGAAACATAGAGTAAAAACATTTAGAAGAGGGGGTGGGAAATAGGAGCTA-3'

ClinVar aggregate classification (germline): not provided (0 of 4 stars; one submission).

Submission:

Medical Genetics Unit, Ain Shams University Pediatrics Hospital
No classification provided. Review status: no classification provided. Collection method: not provided. Allele origin: not provided.
Comment: Methylmalonic aciduria